The following is an entry in ClinVar:

ClinVar aggregate classification (germline): Uncertain significance (1 of 4 stars; one submission).

Conditions:
Danon disease. Also called: Glycogen Storage Disease Type IIb; ANTOPOL DISEASE; PSEUDOGLYCOGENOSIS II; GSD IIb; LYSOSOMAL GLYCOGEN STORAGE DISEASE WITHOUT ACID MALTASE DEFICIENCY. Identifiers: Orphanet 34587, MedGen C0878677, MONDO:0010281, OMIM 300257.

Submission:

Labcorp Genetics (formerly Invitae), Labcorp
Classification: Uncertain significance for Danon disease. Last evaluated: 2021-06-22. Review status: criteria provided, single submitter. Criteria: Invitae Variant Classification Sherloc (09022015). Collection method: clinical testing. Allele origin: germline.
Comment: A copy number gain of the genomic region encompassing the full coding sequence of the LAMP2 gene has been identified. The boundaries of this event are unknown as they extend beyond the assayed region for this gene and therefore may encompass additional genes. As the precise location of this event is unknown, it may be in tandem or it may be located elsewhere in the genome. This variant has not been reported in the literature in individuals affected with LAMP2-related conditions. In summary, the available evidence is currently insufficient to determine the role of this variant in disease. Therefore, it has been classified as a Variant of Uncertain Significance.

NC_000023.11:g.(?_120431313)_(120469179_?)dup

Gene: LAMP2 (lysosome associated membrane protein 2; minus strand). Cytogenetic location: Xq24.
Variant type: Duplication.
Identifiers: ClinVar variation 832229 (VCV000832229.2).